The following is an entry in ClinVar:

ClinVar aggregate classification (germline): Pathogenic (1 of 4 stars; one submission).

Conditions:
Hereditary spastic paraplegia 39 (SPG39). Also called: Spastic Paraplegia Type 39 (SPG39); SPASTIC PARAPLEGIA 39, AUTOSOMAL RECESSIVE. Identifiers: Orphanet 139480, MedGen C2677586, MONDO:0012787, OMIM 612020.

Submission:

Labcorp Genetics (formerly Invitae), Labcorp
Classification: Pathogenic for Hereditary spastic paraplegia 39. Last evaluated: 2022-03-13. Review status: criteria provided, single submitter. Criteria: Invitae Variant Classification Sherloc (09022015). Collection method: clinical testing. Allele origin: germline.
Comment: For these reasons, this variant has been classified as Pathogenic. Algorithms developed to predict the effect of sequence changes on RNA splicing suggest that this variant may create or strengthen a splice site. This sequence change creates a premature translational stop signal (p.Tyr643*) in the PNPLA6 gene. It is expected to result in an absent or disrupted protein product. Loss-of-function variants in PNPLA6 are known to be pathogenic (PMID: 24355708). This variant is not present in population databases (gnomAD no frequency). This variant has not been reported in the literature in individuals affected with PNPLA6-related conditions.

Literature cited by the submitters: PubMed 24355708.

NM_001166114.2(PNPLA6):c.2046C>A (p.Tyr682Ter)

Gene: PNPLA6 (patatin like domain 6, lysophospholipase; plus strand). Cytogenetic location: 19p13.2.
Variant type: single nucleotide variant.
Coding change: c.2046C>A on transcript NM_001166114.2 (MANE Select); coding-DNA position 2046, C replaced by A.
Protein change: p.Tyr682Ter; replaces tyrosine 682 with a stop codon.
Molecular consequence: nonsense.
Genome position (GRCh38, 1-based): chr19:7,550,616, C>A. VCF-style: chr19-7550616-C-A. GRCh37 (hg19) VCF-style: chr19-7615502-C-A.
Other names: c.2073C>A, p.Tyr691Ter (NM_001166111.2); c.1851C>A, p.Tyr617Ter (NM_001166112.2); c.1929C>A, p.Tyr643Ter (NM_001166113.1, NM_006702.5); short protein forms Y682*, Y643*, Y691*, Y617*.
Identifiers: ClinVar variation 1402204 (VCV001402204.6), dbSNP rs768438032, ClinGen allele CA403123787.